The following is an entry in ClinVar:

ClinVar aggregate classification (germline): Uncertain significance (1 of 4 stars; one submission).

Allele frequency attached by ClinVar (database versions not stated): gnomAD exomes below 0.00001.
gnomAD v4.1: 3 of 1,614,176 alleles (0.00019%); highest among the groups gnomAD compares: Non-Finnish European, 0.00025%; no homozygotes.

Submission:

GeneDx
Classification: Uncertain significance. Last evaluated: 2017-07-07. Review status: criteria provided, single submitter. Criteria: GeneDx Variant Classification (06012015). Collection method: clinical testing. Allele origin: germline. Affected: yes.
Comment: The V527A variant in the COG1 gene has not been reported previously as a pathogenic variant, nor as a benign variant, to our knowledge. The V527A variant is not observed in large population cohorts (Lek et al., 2016; 1000 Genomes Consortium et al., 2015; Exome Variant Server). The V527A variant is a conservative amino acid substitution, which is not likely to impact secondary protein structure as these residues share similar properties. In addition, this substitution occurs at a position that is not conserved, and in silico analysis predicts this variant likely does not alter the protein structure/function. We interpret V527A as a variant of uncertain significance.

NM_018714.3(COG1):c.1580T>C (p.Val527Ala)

Gene: COG1 (component of oligomeric golgi complex 1; plus strand). Cytogenetic location: 17q25.1.
Variant type: single nucleotide variant.
Coding change: c.1580T>C on transcript NM_018714.3 (MANE Select); coding-DNA position 1580, T replaced by C.
Protein change: p.Val527Ala; replaces valine 527 with alanine.
Molecular consequence: missense variant.
Genome position (GRCh38, 1-based): chr17:73,201,407, T>C. VCF-style: chr17-73201407-T-C. GRCh37 (hg19) VCF-style: chr17-71197546-T-C.
Other names: short protein forms V527A.
Identifiers: ClinVar variation 450372 (VCV000450372.2), dbSNP rs1555725185, ClinGen allele CA400892094.